The following is an entry in ClinVar:

NM_000035.4(ALDOB):c.906T>C (p.Tyr302=)

Gene: ALDOB (aldolase, fructose-bisphosphate B; minus strand). Cytogenetic location: 9q31.1.
Variant type: single nucleotide variant.
Coding change: c.906T>C on transcript NM_000035.4 (MANE Select); coding-DNA position 906, T replaced by C.
Protein change: p.Tyr302=; no amino-acid change (tyrosine 302 retained).
Molecular consequence: synonymous variant.
Genome position (GRCh38, 1-based): chr9:101,424,936, A>G on the plus strand (T>C on the coding strand, the complement: ALDOB is on the minus strand). VCF-style: chr9-101424936-A-G. GRCh37 (hg19) VCF-style: chr9-104187218-A-G.
Other names: p.Tyr302=; c.906T>C, p.Tyr302= (LRG_1244t1).
Identifiers: ClinVar variation 501716 (VCV000501716.22), dbSNP rs138866018, ClinGen allele CA5161435.

ClinVar aggregate classification (germline): Conflicting classifications of pathogenicity. Review status: criteria provided, conflicting classifications (1 of 4 stars). 6 submissions from 6 submitters: Uncertain significance (1); Benign (1); Likely benign (3). 1 of the submissions does not count toward it. Last evaluated 2026-01-24.

Conditions:
Hereditary fructosuria. Also called: Hereditary fructose intolerance; Fructose intolerance; ALDOB DEFICIENCY; ALDOLASE B DEFICIENCY; FRUCTOSE-1,6-BISPHOSPHATE ALDOLASE B DEFICIENCY; FRUCTOSE-1-PHOSPHATE ALDOLASE DEFICIENCY. Identifiers: Orphanet 469, MedGen C0016751, MONDO:0009249, OMIM 229600, HP:0005973. Disease mechanism: loss of function.

Allele frequency attached by ClinVar (database versions not stated): gnomAD exomes 0.00016 and 0.00040; ExAC 0.00049; gnomAD 0.00142 and 0.00151; TOPMed 0.00161; ESP Exome Variant Server 0.00185; 1000 Genomes Project 30x 0.00219; 1000 Genomes Project 0.00220.

Submissions (6):

Labcorp Genetics (formerly Invitae), Labcorp
Classification: Benign for Hereditary fructosuria. Last evaluated: 2026-01-24. Review status: criteria provided, single submitter. Criteria: Invitae Variant Classification Sherloc (09022015). Collection method: clinical testing. Allele origin: germline.

CeGaT Center for Human Genetics Tuebingen
Classification: Likely benign. Last evaluated: 2026-01-01. Review status: criteria provided, single submitter. Criteria: CeGaT Center For Human Genetics Tuebingen Variant Classification Criteria Version 2. Collection method: clinical testing. Allele origin: germline. Affected: yes. Observed: 1 variant allele.
Comment: ALDOB: BP4, BP7

Mayo Clinic Laboratories, Mayo Clinic
Classification: Likely benign. Last evaluated: 2025-09-04. Review status: criteria provided, single submitter. Criteria: ACMG Guidelines, 2015. Collection method: clinical testing. Allele origin: germline. Observed: 1 variant allele.
Comment: BS1, BP4, BP7

ARUP Laboratories, Molecular Genetics and Genomics, ARUP Laboratories
Classification: Likely benign for Hereditary fructosuria. Last evaluated: 2025-05-09. Review status: criteria provided, single submitter. Criteria: ARUP Molecular Germline Variant Investigation Process 2024. Collection method: clinical testing. Allele origin: germline.

Eurofins Ntd Llc (ga)
Classification: Uncertain significance. Last evaluated: 2018-05-23. Review status: criteria provided, single submitter. Criteria: EGL ClinVar v180209 classification definitions. Collection method: clinical testing. Allele origin: germline. Observed: 7 variant alleles, 7 heterozygotes.

Natera, Inc.
Classification: Likely benign for Fructose intolerance. Last evaluated: 2020-06-04. Review status: no assertion criteria provided. Collection method: clinical testing. Allele origin: germline. Not counted in ClinVar's aggregate classification.